The following is an entry in ClinVar:

NM_000701.8(ATP1A1):c.2794G>A (p.Ala932Thr)

Genes: ATP1A1 (ATPase Na+/K+ transporting subunit alpha 1; plus strand), ATP1A1-AS1 (ATP1A1 antisense RNA 1; minus strand). Cytogenetic location: 1p13.1.
Variant type: single nucleotide variant.
Coding change: c.2794G>A on transcript NM_000701.8 (MANE Select); coding-DNA position 2794, G replaced by A.
Protein change: p.Ala932Thr; replaces alanine 932 with threonine.
Molecular consequence: missense variant.
Genome position (GRCh38, 1-based): chr1:116,401,205, G>A. VCF-style: chr1-116401205-G-A. GRCh37 (hg19) VCF-style: chr1-116943827-G-A.
Other names: c.2794G>A, p.Ala932Thr (NM_001160233.2); c.2701G>A, p.Ala901Thr (NM_001160234.2); short protein forms A901T, A932T.
Identifiers: ClinVar variation 4811116 (VCV004811116.1).

ClinVar aggregate classification (germline): Uncertain significance (1 of 4 stars; one submission).

Submission:

Labcorp Genetics (formerly Invitae), Labcorp
Classification: Uncertain significance. Last evaluated: 2025-03-18. Review status: criteria provided, single submitter. Criteria: Invitae Variant Classification Sherloc (09022015). Collection method: clinical testing. Allele origin: germline.
Comment: This sequence change replaces alanine, which is neutral and non-polar, with threonine, which is neutral and polar, at codon 932 of the ATP1A1 protein (p.Ala932Thr). This variant is not present in population databases (gnomAD no frequency). This variant has not been reported in the literature in individuals affected with ATP1A1-related conditions. Invitae Evidence Modeling of protein sequence and biophysical properties (such as structural, functional, and spatial information, amino acid conservation, physicochemical variation, residue mobility, and thermodynamic stability) has been performed for this missense variant. However, the output from this modeling did not meet the statistical confidence thresholds required to predict the impact of this variant on ATP1A1 protein function. In summary, the available evidence is currently insufficient to determine the role of this variant in disease. Therefore, it has been classified as a Variant of Uncertain Significance.